The following is an entry in ClinVar:

ClinVar aggregate classification (germline): Pathogenic (1 of 4 stars; one submission).

Conditions:
Tuberous sclerosis 1 (TSC1). Identifiers: Orphanet 805, MedGen C1854465, MONDO:0008612, OMIM 191100.

Submission:

Labcorp Genetics (formerly Invitae), Labcorp
Classification: Pathogenic for Tuberous sclerosis 1. Last evaluated: 2023-12-29. Review status: criteria provided, single submitter. Criteria: Invitae Variant Classification Sherloc (09022015). Collection method: clinical testing. Allele origin: germline.
Comment: This sequence change creates a premature translational stop signal (p.Asp738Glufs*6) in the TSC1 gene. It is expected to result in an absent or disrupted protein product. Loss-of-function variants in TSC1 are known to be pathogenic (PMID: 10227394, 17304050). This variant is not present in population databases (gnomAD no frequency). This variant has not been reported in the literature in individuals affected with TSC1-related conditions. For these reasons, this variant has been classified as Pathogenic.

Literature cited by the submitters: PubMed 10227394; PubMed 17304050.

NM_000368.5(TSC1):c.2213_2214insGACCAGTCTTTTGTAAC (p.Asp738delinsGluThrSerLeuLeuTer)

Gene: TSC1 (TSC complex subunit 1; minus strand). Cytogenetic location: 9q34.13.
Variant type: Insertion.
Coding change: c.2213_2214insGACCAGTCTTTTGTAAC on transcript NM_000368.5 (MANE Select); coding-DNA positions 2213 to 2214, GACCAGTCTTTTGTAAC inserted.
Protein change: p.Asp738delinsGluThrSerLeuLeuTer.
Molecular consequence: nonsense. On other transcripts: non-coding transcript variant (5).
Genome position: GRCh38 VCF-style: chr9-132902782-A-AGTTACAAAAGACTGGTC. GRCh37 (hg19) VCF-style: chr9-135778169-A-AGTTACAAAAGACTGGTC.
Other names: c.2213_2214insGACCAGTCTTTTGTAAC, p.Asp738delinsGluThrSerLeuLeuTer (NM_001406596.1, NM_001406605.1, NM_001406606.1 and 5 more transcripts); c.2210_2211insGACCAGTCTTTTGTAAC, p.Asp737delinsGluThrSerLeuLeuTer (NM_001406597.1, NM_001406598.1, NM_001406599.1 and 4 more transcripts); c.2198_2199insGACCAGTCTTTTGTAAC, p.Asp733delinsGluThrSerLeuLeuTer (NM_001406601.1, NM_001406602.1); c.2195_2196insGACCAGTCTTTTGTAAC, p.Asp732delinsGluThrSerLeuLeuTer (NM_001406603.1, NM_001406604.1); c.2060_2061insGACCAGTCTTTTGTAAC, p.Asp687delinsGluThrSerLeuLeuTer (NM_001162427.2, NM_001406610.1); c.1850_1851insGACCAGTCTTTTGTAAC, p.Asp617delinsGluThrSerLeuLeuTer (NM_001362177.2, NM_001406614.1, NM_001406615.1 and 5 more transcripts); c.2057_2058insGACCAGTCTTTTGTAAC, p.Asp686delinsGluThrSerLeuLeuTer (NM_001406611.1, NM_001406612.1, NM_001406613.1); c.1847_1848insGACCAGTCTTTTGTAAC, p.Asp616delinsGluThrSerLeuLeuTer (NM_001406620.1, NM_001406621.1, NM_001406622.1 and 2 more transcripts); and 3 more.
Identifiers: ClinVar variation 2698902 (VCV002698902.3), dbSNP rs2538626665, ClinGen allele CA2697558138.